The following is an entry in ClinVar:

NM_001122769.3(LCA5):c.1731_1735dup (p.Phe579fs)

Gene: LCA5 (lebercilin LCA5; minus strand). Cytogenetic location: 6q14.1.
Variant type: Duplication.
Coding change: c.1731_1735dup on transcript NM_001122769.3 (MANE Select); coding-DNA positions 1731 to 1735, 5 bases duplicated (GGATT; older notation c.1731_1735dupGGATT).
Protein change: p.Phe579fs; shifts the reading frame from phenylalanine 579.
Molecular consequence: frameshift variant.
Genome position (GRCh38, 1-based): chr6:79,487,363-79,487,367, AATCC duplicated on the plus strand (GGATT on the coding strand, the reverse complement: LCA5 is on the minus strand); duplicating any 5 consecutive bases within chr6:79,487,363-79,487,369 gives the same sequence; the c. name uses the placement nearest the transcript's 3' end. VCF-style (leftmost placement, unchanged base first): chr6-79487362-A-AAATCC. GRCh37 (hg19) VCF-style: chr6-80197079-A-AAATCC.
Other names: c.1731_1735dup, p.Phe579fs (NM_181714.4); short protein forms F579fs.
Identifiers: ClinVar variation 4816987 (VCV004816987.1).

ClinVar aggregate classification (germline): Likely pathogenic (1 of 4 stars; one submission).

Conditions:
Leber congenital amaurosis 5 (LCA5). Also called: Amaurosis congenita of Leber, type 5. Identifiers: Orphanet 65, MedGen C1858301, MONDO:0011473, OMIM 604537.

Submission:

Natera, Inc.
Classification: Likely pathogenic for Leber congenital amaurosis type 5. Last evaluated: 2024-04-12. Review status: criteria provided, single submitter. Criteria: Natera Variant Classification Schema (03/2026). Collection method: clinical testing. Allele origin: germline.
Comment: The c.1731_1735dupGGATT variant in LCA5 is a frameshift variant predicted to shift the reading frame beginning at codon 579 and leads to a stop codon 16 codons downstream. This variant is expected to result in nonsense mediated decay, truncation, or a dysfunctional protein product. This variant is rare in the general population with a frequency below the threshold expected for the associated phenotype(s). Given the available evidence, this variant is classified as Likely Pathogenic.